The following is an entry in ClinVar:

NM_033305.3(VPS13A):c.2747A>C (p.Glu916Ala)

Gene: VPS13A (vacuolar protein sorting 13 homolog A; plus strand). Cytogenetic location: 9q21.2.
Variant type: single nucleotide variant.
Coding change: c.2747A>C on transcript NM_033305.3 (MANE Select); coding-DNA position 2747, A replaced by C.
Protein change: p.Glu916Ala; replaces glutamic acid 916 with alanine.
Molecular consequence: missense variant.
Genome position (GRCh38, 1-based): chr9:77,276,144, A>C. VCF-style: chr9-77276144-A-C. GRCh37 (hg19) VCF-style: chr9-79891060-A-C.
Other names: c.2747A>C, p.Glu916Ala (NM_001018037.2, NM_001018038.3, NM_015186.4); c.2747A>C (NM_033305.2); short protein forms E916A.
Identifiers: ClinVar variation 2193860 (VCV002193860.4), dbSNP rs751519224, ClinGen allele CA5092031.
Genomic context (GRCh38, chr9:77,276,144, plus strand): 5'-ACCTTGTTGGAGATTGTGAACTATCTGTGGTAGAAATTCTTGTTTTAGGATTGGGTGCAG[A>C]AATTGAGATTAGAACATACGATTTGAAAGCAAATGCCTTTTTGAAAGAGTTCTGCTTAAA-3'
Protein context (NP_150648.2, residues 906-926): VEILVLGLGA[Glu916Ala]IEIRTYDLKA

ClinVar aggregate classification (germline): Uncertain significance. Review status: criteria provided, multiple submitters, no conflicts (2 of 4 stars). 2 submissions from 2 submitters: Uncertain significance (2). Last evaluated 2023-08-17.

Conditions:
Inborn genetic diseases. Identifiers: MedGen C0950123, MeSH D030342.

Allele frequency attached by ClinVar (database versions not stated): ExAC 0.00001; TOPMed 0.00001; gnomAD exomes 0.00002.
gnomAD v4.1: 26 of 1,613,234 alleles (0.0016%); highest among the groups gnomAD compares: Non-Finnish European, 0.0018%; no homozygotes.

Submissions (2):

Labcorp Genetics (formerly Invitae), Labcorp
Classification: Uncertain significance. Last evaluated: 2023-08-17. Review status: criteria provided, single submitter. Criteria: Invitae Variant Classification Sherloc (09022015). Collection method: clinical testing. Allele origin: germline.
Comment: ClinVar contains an entry for this variant (Variation ID: 2193860). This variant has not been reported in the literature in individuals affected with VPS13A-related conditions. This variant is present in population databases (rs751519224, gnomAD 0.004%). This sequence change replaces glutamic acid, which is acidic and polar, with alanine, which is neutral and non-polar, at codon 916 of the VPS13A protein (p.Glu916Ala). An algorithm developed to predict the effect of missense changes on protein structure and function (PolyPhen-2) suggests that this variant¬†is likely to be tolerated. In summary, the available evidence is currently insufficient to determine the role of this variant in disease. Therefore, it has been classified as a Variant of Uncertain Significance.

Ambry Genetics
Classification: Uncertain significance for Inborn genetic diseases. Last evaluated: 2023-08-01. Review status: criteria provided, single submitter. Criteria: Ambry Variant Classification Scheme 2023. Collection method: clinical testing. Allele origin: germline.